The following is an entry in ClinVar:

NM_000257.4(MYH7):c.895+43_1518del

Gene: MYH7 (myosin heavy chain 7; minus strand). Cytogenetic location: 14q11.2.
Variant type: Deletion.
Coding change: c.895+43_1518del on transcript NM_000257.4 (MANE Select); 43 bases into the intron after coding-DNA position 895 through coding-DNA position 1518, 2,299 bases deleted.
Molecular consequence: splice acceptor variant, splice donor variant.
Genome position (GRCh38, 1-based): chr14:23,428,560-23,430,858, 2,299 bases deleted. GRCh37 (hg19): chr14:23,897,769-23,900,067.
Identifiers: ClinVar variation 854961 (VCV000854961.1), ClinGen allele CA916081716.

ClinVar aggregate classification (germline): Uncertain significance (1 of 4 stars; one submission).

Conditions:
Hypertrophic cardiomyopathy. Also called: HYPERTROPHIC MYOCARDIOPATHY. Identifiers: Orphanet 217569, MedGen C0007194, MeSH D002312, MONDO:0005045, HP:0001639.

Submission:

Labcorp Genetics (formerly Invitae), Labcorp
Classification: Uncertain significance for Hypertrophic cardiomyopathy. Last evaluated: 2019-05-03. Review status: criteria provided, single submitter. Criteria: Invitae Variant Classification Sherloc (09022015). Collection method: clinical testing. Allele origin: germline.
Comment: This variant is a deletion of the genomic region encompassing 12-15 and/or part of exon 11 (c.895+43_1518delinsTT) of the MYH7 gene. It is expected to disrupt RNA splicing and likely results in an absent or disrupted protein product. This variant has not been reported in the literature in individuals with MYH7-related conditions. Experimental studies and prediction algorithms are not available for this variant, and the functional significance of the affected amino acid(s) is currently unknown. The current clinical and genetic evidence is not sufficient to establish whether loss-of-function variants in MYH7 cause disease. In summary, the available evidence is currently insufficient to determine the role of this variant in disease. Therefore, it has been classified as a Variant of Uncertain Significance.